The following is an entry in ClinVar:

ClinVar aggregate classification (germline): Benign (1 of 4 stars; one submission).

Conditions:
Glycogen storage disease, type II (IOPD). Also called: Pompe Disease; CARDIOMEGALIA GLYCOGENICA DIFFUSA; GLYCOGENOSIS, GENERALIZED, CARDIAC FORM; GSD II; POMPE DISEASE, INFANTILE-ONSET; GLYCOGEN STORAGE DISEASE II, INFANTILE-ONSET. Identifiers: Orphanet 365, MedGen C0017921, MONDO:0009290, OMIM 232300.

gnomAD v4.1: 9,735 of 150,618 alleles (6.5%); highest among the groups gnomAD compares: African/African-American, 7.7%; 335 homozygotes.

Submission:

Genomenon, Inc
Classification: Benign for Glycogen storage disease, type II. Last evaluated: 2026-07-01. Review status: criteria provided, single submitter. Criteria: Genomenon Sequence Variant Interpretation Standards - Updated. Collection method: curation. Allele origin: germline. Affected: no.
Comment: GAA c.2189+607G>A is an intronic variant located in intron 15. This variant is present at high allele frequency in population databases. We classify GAA c.2189+607G>A as a benign variant.

NM_000152.5(GAA):c.2189+607G>A

Gene: GAA (alpha glucosidase; plus strand). Cytogenetic location: 17q25.3.
Variant type: single nucleotide variant.
Coding change: c.2189+607G>A on transcript NM_000152.5 (MANE Select); 607 bases into the intron after coding-DNA position 2189, G replaced by A.
Molecular consequence: intron variant.
Genome position (GRCh38, 1-based): chr17:80,113,973, G>A. VCF-style: chr17-80113973-G-A. GRCh37 (hg19) VCF-style: chr17-78087772-G-A.
Other names: c.2189+607G>A (NM_001406741.1, NM_001406742.1, NM_001079803.3 and 1 more transcripts).
Identifiers: ClinVar variation 4876364 (VCV004876364.1).